The following is an entry in ClinVar:

ClinVar aggregate classification (germline): Uncertain significance (1 of 4 stars; one submission).

Submission:

GeneDx
Classification: Uncertain significance. Last evaluated: 2025-08-08. Review status: criteria provided, single submitter. Criteria: GeneDx Variant Classification Process June 2021. Collection method: clinical testing. Allele origin: germline. Affected: yes.
Comment: Not observed at significant frequency in large population cohorts (gnomAD); In silico analysis suggests that this missense variant does not alter protein structure/function; Has not been previously published as pathogenic or benign to our knowledge

NM_006236.3(POU3F3):c.223A>C (p.Ser75Arg)

Gene: POU3F3 (POU class 3 homeobox 3; plus strand). Cytogenetic location: 2q12.1.
Variant type: single nucleotide variant.
Coding change: c.223A>C on transcript NM_006236.3 (MANE Select); coding-DNA position 223, A replaced by C.
Protein change: p.Ser75Arg; replaces serine 75 with arginine.
Molecular consequence: missense variant.
Genome position (GRCh38, 1-based): chr2:104,855,733, A>C. VCF-style: chr2-104855733-A-C. GRCh37 (hg19) VCF-style: chr2-105472191-A-C.
Other names: c.223A>C, p.Ser75Arg (NM_001433704.1); short protein forms S75R.
Identifiers: ClinVar variation 4795500 (VCV004795500.1).